The following is an entry in ClinVar:

ClinVar aggregate classification (germline): Uncertain significance (1 of 4 stars; one submission).

Conditions:
TH-deficient dopa-responsive dystonia. Also called: Tyrosine Hydroxylase-Deficient Dopa-Responsive Dystonia; Segawa syndrome, autosomal recessive; DYT-TH. Identifiers: Orphanet 101150, MedGen C2673535, MONDO:0011551, OMIM 605407.

Allele frequency attached by ClinVar (database versions not stated): ExAC 0.00001; gnomAD 0.00001; gnomAD exomes 0.00001; TOPMed 0.00001.
gnomAD v4.1: 15 of 1,612,508 alleles (0.00093%); highest among the groups gnomAD compares: Non-Finnish European, 0.0013%; no homozygotes.

Submission:

Labcorp Genetics (formerly Invitae), Labcorp
Classification: Uncertain significance for TH-deficient dopa-responsive dystonia. Last evaluated: 2022-04-18. Review status: criteria provided, single submitter. Criteria: Invitae Variant Classification Sherloc (09022015). Collection method: clinical testing. Allele origin: germline.
Comment: This sequence change replaces proline, which is neutral and non-polar, with serine, which is neutral and polar, at codon 9 of the TH protein (p.Pro9Ser). This variant is present in population databases (rs780983082, gnomAD 0.002%). This variant has not been reported in the literature in individuals affected with TH-related conditions. Advanced modeling of protein sequence and biophysical properties (such as structural, functional, and spatial information, amino acid conservation, physicochemical variation, residue mobility, and thermodynamic stability) performed at Invitae indicates that this missense variant is not expected to disrupt TH protein function. In summary, the available evidence is currently insufficient to determine the role of this variant in disease. Therefore, it has been classified as a Variant of Uncertain Significance.

NM_000360.4(TH):c.25C>T (p.Pro9Ser)

Gene: TH (tyrosine hydroxylase; minus strand). Cytogenetic location: 11p15.5.
Variant type: single nucleotide variant.
Coding change: c.25C>T on transcript NM_000360.4 (MANE Select); coding-DNA position 25, C replaced by T.
Protein change: p.Pro9Ser; replaces proline 9 with serine.
Molecular consequence: missense variant.
Genome position (GRCh38, 1-based): chr11:2,171,762, G>A on the plus strand (C>T on the coding strand, the complement: TH is on the minus strand). VCF-style: chr11-2171762-G-A. GRCh37 (hg19) VCF-style: chr11-2192992-G-A.
Other names: c.25C>T, p.Pro9Ser (NM_199292.3, NM_199293.3); short protein forms P9S.
Identifiers: ClinVar variation 2198102 (VCV002198102.1), dbSNP rs780983082, ClinGen allele CA5818884.